The following is an entry in ClinVar:

NM_000245.4(MET):c.956C>T (p.Ala319Val)

Gene: MET (MET proto-oncogene, receptor tyrosine kinase; plus strand). Cytogenetic location: 7q31.2.
Variant type: single nucleotide variant.
Coding change: c.956C>T on transcript NM_000245.4 (MANE Select); coding-DNA position 956, C replaced by T.
Protein change: p.Ala319Val; replaces alanine 319 with valine.
Molecular consequence: missense variant. On other transcripts: intron variant (1).
Genome position (GRCh38, 1-based): chr7:116,700,040, C>T. VCF-style: chr7-116700040-C-T. GRCh37 (hg19) VCF-style: chr7-116340094-C-T.
Other names: c.956C>T, p.Ala319Val (NM_001127500.3, NM_001324401.3); c.-91+27463C>T (NM_001324402.2); short protein forms A319V.
Identifiers: ClinVar variation 1368120 (VCV001368120.8), dbSNP rs1791510135, ClinGen allele CA368970230.

ClinVar aggregate classification (germline): Uncertain significance (1 of 4 stars; one submission).

Conditions:
Renal cell carcinoma. Identifiers: Orphanet 217071, MedGen C0007134, MeSH D002292, MONDO:0005086, HP:0005584.

Allele frequency attached by ClinVar (database versions not stated): gnomAD 0.00001.
gnomAD v4.1: 1 of 1,613,802 alleles (0.000062%); highest among the groups gnomAD compares: South Asian, 0.0011%; no homozygotes.

Submission:

Labcorp Genetics (formerly Invitae), Labcorp
Classification: Uncertain significance for Renal cell carcinoma. Last evaluated: 2021-07-26. Review status: criteria provided, single submitter. Criteria: Invitae Variant Classification Sherloc (09022015). Collection method: clinical testing. Allele origin: germline.
Comment: In summary, the available evidence is currently insufficient to determine the role of this variant in disease. Therefore, it has been classified as a Variant of Uncertain Significance. Algorithms developed to predict the effect of missense changes on protein structure and function are either unavailable or do not agree on the potential impact of this missense change (SIFT: "Deleterious"; PolyPhen-2: "Probably Damaging"; Align-GVGD: "Class C0"). This variant has not been reported in the literature in individuals affected with MET-related conditions. This variant is not present in population databases (ExAC no frequency). This sequence change replaces alanine with valine at codon 319 of the MET protein (p.Ala319Val). The alanine residue is highly conserved and there is a small physicochemical difference between alanine and valine.